The following is an entry in ClinVar:

NM_000059.4(BRCA2):c.4140T>G (p.Ile1380Met)

Gene: BRCA2 (BRCA2 DNA repair associated; plus strand). Cytogenetic location: 13q13.1.
Variant type: single nucleotide variant.
Coding change: c.4140T>G on transcript NM_000059.4 (MANE Select); coding-DNA position 4140, T replaced by G.
Protein change: p.Ile1380Met; replaces isoleucine 1380 with methionine.
Molecular consequence: missense variant.
Genome position (GRCh38, 1-based): chr13:32,338,495, T>G. VCF-style: chr13-32338495-T-G. GRCh37 (hg19) VCF-style: chr13-32912632-T-G.
Other names: short protein forms I1380M.
Identifiers: ClinVar variation 141092 (VCV000141092.24), dbSNP rs587781488, ClinGen allele CA019602.

ClinVar aggregate classification (germline): Conflicting classifications of pathogenicity. Review status: criteria provided, conflicting classifications (1 of 4 stars). 6 submissions from 6 submitters: Uncertain significance (5); Likely benign (1). Last evaluated 2025-07-04.

Conditions:
Hereditary cancer-predisposing syndrome. Also called: Neoplastic Syndromes, Hereditary; Hereditary Cancer Syndrome; Hereditary neoplastic syndrome; Tumor predisposition. Identifiers: Orphanet 140162, MedGen C0027672, MeSH D009386, MONDO:0015356.
Hereditary breast ovarian cancer syndrome. Also called: Hereditary breast and ovarian cancer syndrome; Hereditary breast and/or ovarian cancer syndrome; BRCA1- and BRCA2-Associated Hereditary Breast and Ovarian Cancer; Hereditary breast and ovarian cancer; Breast and ovarian cancer; Hereditary breast and ovarian cancer syndrome (HBOC). Identifiers: Orphanet 145, MedGen C0677776, MeSH D061325, MONDO:0003582. Disease mechanism: loss of function.
Breast-ovarian cancer, familial, susceptibility to, 2 (BROVCA2). Also called: BRCA2 Hereditary Breast and Ovarian Cancer. Identifiers: Orphanet 145, MedGen C2675520, MONDO:0012933, OMIM 612555. Disease mechanism: loss of function.

Allele frequency attached by ClinVar (database versions not stated): gnomAD exomes below 0.00001.
gnomAD v4.1: 3 of 1,609,154 alleles (0.00019%); highest among the groups gnomAD compares: South Asian, 0.0022%; no homozygotes.

Submissions (6):

Ambry Genetics
Classification: Uncertain significance for Hereditary cancer-predisposing syndrome. Last evaluated: 2025-07-04. Review status: criteria provided, single submitter. Criteria: Ambry Variant Classification Scheme 2023. Collection method: clinical testing. Allele origin: germline.
Comment: The p.I1380M variant (also known as c.4140T>G), located in coding exon 10 of the BRCA2 gene, results from a T to G substitution at nucleotide position 4140. The isoleucine at codon 1380 is replaced by methionine, an amino acid with highly similar properties. This amino acid position is not well conserved in available vertebrate species. In addition, this alteration is predicted to be tolerated by in silico analysis. Since supporting evidence is limited at this time, the clinical significance of this alteration remains unclear.

Labcorp Genetics (formerly Invitae), Labcorp
Classification: Uncertain significance for Hereditary breast ovarian cancer syndrome. Last evaluated: 2025-05-11. Review status: criteria provided, single submitter. Criteria: Invitae Variant Classification Sherloc (09022015). Collection method: clinical testing. Allele origin: germline.
Comment: This sequence change replaces isoleucine, which is neutral and non-polar, with methionine, which is neutral and non-polar, at codon 1380 of the BRCA2 protein (p.Ile1380Met). This variant is not present in population databases (gnomAD no frequency). This variant has not been reported in the literature in individuals affected with BRCA2-related conditions. ClinVar contains an entry for this variant (Variation ID: 141092). Invitae Evidence Modeling of protein sequence and biophysical properties (such as structural, functional, and spatial information, amino acid conservation, physicochemical variation, residue mobility, and thermodynamic stability) indicates that this missense variant is not expected to disrupt BRCA2 protein function with a negative predictive value of 95%. In summary, the available evidence is currently insufficient to determine the role of this variant in disease. Therefore, it has been classified as a Variant of Uncertain Significance.

KCCC/NGS Laboratory, Kuwait Cancer Control Center
Classification: Uncertain significance for Breast-ovarian cancer, familial, susceptibility to, 2. Last evaluated: 2023-06-06. Review status: criteria provided, single submitter. Criteria: ACMG Guidelines, 2015. Collection method: clinical testing. Allele origin: germline. Affected: yes.
Comment: A variant of uncertain significance was detected in this sample , This missense variant replaces isoleucine with methionine at codon 1380 of the BRCA2 protein. Computational prediction suggests that this variant may not impact protein structure and function (internally defined REVEL score threshold <= 0.5, PMID: 27666373). Splice site prediction tools suggest that this variant may not impact RNA splicing. To our knowledge, functional studies have not been reported for this variant. This variant has not been reported in individuals affected with hereditary cancer in the literature. This variant has not been identified in the general population by the Genome Aggregation Database (gnomAD). The available evidence is insufficient to determine the role of this variant in disease conclusively. Therefore, this variant is classified as a Variant of Uncertain Significance.

Neuberg Centre For Genomic Medicine, NCGM
Classification: Uncertain significance for Breast-ovarian cancer, familial, susceptibility to, 2. Last evaluated: 2023-05-20. Review status: criteria provided, single submitter. Criteria: ACMG Guidelines, 2015. Collection method: clinical testing. Allele origin: germline. Inheritance: Autosomal dominant inheritance. Affected: yes.
Comment: The observed missense variant c.4140T>G (p.Ile1380Met) in the BRCA2 gene has not been reported previously as a pathogenic variant nor as a benign variant, to our knowledge. This variant is absent in the gnomAD Exomes. This variant has been reported to the ClinVar database as Conflicting interpretations of pathogenicity (Uncertain significance/Likely benign). The amino acid Ileucine at position 1380 is changed to a Methionine changing protein sequence and it might alter its composition and physico-chemical properties. Computational evidence (SIFT - Damaging) predict a damaging effect on protein structure and function for this variant. The residue is conserved by GERP++ and PhyloP across 100 vertebrates. For these reasons, this variant has been classified as Uncertain Significance.

University of Washington Department of Laboratory Medicine, University of Washington
Classification: Likely benign for Hereditary cancer-predisposing syndrome. Last evaluated: 2023-03-23. Review status: criteria provided, single submitter. Criteria: Dines et al. (Genet Med. 2020). Collection method: curation. Allele origin: germline.
Comment: Missense variant in a coldspot region where missense variants are very unlikely to be pathogenic (PMID:31911673).

BRCA2 exon 11 coldspot. Reclassification based on statistical prior probability.

Color Diagnostics, LLC DBA Color Health
Classification: Uncertain significance for Hereditary cancer-predisposing syndrome. Last evaluated: 2020-03-17. Review status: criteria provided, single submitter. Criteria: ACMG Guidelines, 2015. Collection method: clinical testing. Allele origin: germline.
Comment: This missense variant replaces isoleucine with methionine at codon 1380 of the BRCA2 protein. Computational prediction suggests that this variant may not impact protein structure and function (internally defined REVEL score threshold <= 0.5, PMID: 27666373). Splice site prediction tools suggest that this variant may not impact RNA splicing. To our knowledge, functional studies have not been reported for this variant. This variant has not been reported in individuals affected with hereditary cancer in the literature. This variant has not been identified in the general population by the Genome Aggregation Database (gnomAD). The available evidence is insufficient to determine the role of this variant in disease conclusively. Therefore, this variant is classified as a Variant of Uncertain Significance.